The following is an entry in ClinVar:

NM_024721.5(ZFHX4):c.9906A>C (p.Thr3302=)

Gene: ZFHX4 (zinc finger homeobox 4; plus strand). Cytogenetic location: 8q21.13.
Variant type: single nucleotide variant.
Coding change: c.9906A>C on transcript NM_024721.5 (MANE Select); coding-DNA position 9906, A replaced by C.
Protein change: p.Thr3302=; no amino-acid change (threonine 3302 retained).
Molecular consequence: synonymous variant.
Genome position (GRCh38, 1-based): chr8:76,863,620, A>C. VCF-style: chr8-76863620-A-C. GRCh37 (hg19) VCF-style: chr8-77775856-A-C.
Other names: c.9828A>C, p.Thr3276= (NM_001410934.1).
Identifiers: ClinVar variation 3234392 (VCV003234392.20), dbSNP rs2536412469, ClinGen allele CA461770576.

ClinVar aggregate classification (germline): Likely benign (1 of 4 stars; one submission).

Submission:

CeGaT Center for Human Genetics Tuebingen
Classification: Likely benign. Last evaluated: 2026-04-01. Review status: criteria provided, single submitter. Criteria: CeGaT Center For Human Genetics Tuebingen Variant Classification Criteria Version 2. Collection method: clinical testing. Allele origin: germline. Affected: yes. Observed: 2 variant alleles.
Comment: ZFHX4: PM2:Supporting, BP4, BP7